The following is an entry in ClinVar:

NM_000094.4(COL7A1):c.3565A>G (p.Met1189Val)

Gene: COL7A1 (collagen type VII alpha 1 chain; minus strand). Cytogenetic location: 3p21.31.
Variant type: single nucleotide variant.
Coding change: c.3565A>G on transcript NM_000094.4 (MANE Select); coding-DNA position 3565, A replaced by G.
Protein change: p.Met1189Val; replaces methionine 1189 with valine.
Molecular consequence: missense variant.
Genome position (GRCh38, 1-based): chr3:48,586,232, T>C on the plus strand (A>G on the coding strand, the complement: COL7A1 is on the minus strand). VCF-style: chr3-48586232-T-C. GRCh37 (hg19) VCF-style: chr3-48623665-T-C.
Other names: c.[3565A>G] (NM_000094.3); short protein forms M1189V.
Identifiers: ClinVar variation 989750 (VCV000989750.8), dbSNP rs546776797, ClinGen allele CA2380477.

ClinVar aggregate classification (germline): Conflicting classifications of pathogenicity. Review status: criteria provided, conflicting classifications (1 of 4 stars). 3 submissions from 3 submitters: Uncertain significance (1); Likely benign (1). 1 of the submissions does not count toward it. Last evaluated 2026-01-19.

Conditions:
Epidermolysis bullosa dystrophica inversa, autosomal recessive. Identifiers: MedGen C2673612.
Recessive dystrophic epidermolysis bullosa (RDEB). Also called: severe generalized recessive dystrophic epidermolysis bullosa; EPIDERMOLYSIS BULLOSA DYSTROPHICA, GENERALIZED SEVERE, AUTOSOMAL RECESSIVE; DYSTROPHIC EPIDERMOLYSIS BULLOSA, AUTOSOMAL RECESSIVE; EPIDERMOLYSIS BULLOSA DYSTROPHICA, HALLOPEAU-SIEMENS TYPE; Epidermolysis Bullosa Distrophica Autosomal Recessive (RDEB); epidermolysis bullosa dystrophica, autosomal recessive. Identifiers: Orphanet 79408, Orphanet 79409, MedGen C0079474, MONDO:0009179, OMIM 226600.

Allele frequency attached by ClinVar (database versions not stated): gnomAD 0.00001; ExAC 0.00002; 1000 Genomes Project 30x 0.00016; gnomAD exomes 0.00001 and 0.00002; TOPMed 0.00001; 1000 Genomes Project 0.00020.

Submissions (3):

Labcorp Genetics (formerly Invitae), Labcorp
Classification: Likely benign. Last evaluated: 2026-01-19. Review status: criteria provided, single submitter. Criteria: Invitae Variant Classification Sherloc (09022015). Collection method: clinical testing. Allele origin: germline.

Neuberg Centre For Genomic Medicine, NCGM
Classification: Uncertain significance for Recessive dystrophic epidermolysis bullosa. Review status: criteria provided, single submitter. Criteria: ACMG Guidelines, 2015. Collection method: clinical testing. Allele origin: germline. Affected: yes.
Comment: The missense variant p.M1189V in COL7A1 (NM_000094.3) has not been reported previously as a pathogenic variant nor as a benign variant, to our knowledge. The p.M1189V variant is observed in 4/30,614 (0.0131%) alleles from individuals of South Asian background in gnomAD Exomes and in 1/978 (0.1022%) alleles from individuals of South Asian background in 1000 Genomes.The p.M1189V variant is not predicted to disrupt splicing by any splice site algorithm. The p.M1189V missense variant is predicted to be tolerated by both SIFT or PolyPhen2. The nucleotide c.3565 in COL7A1 is not conserved according to a GERP++ and PhyloP analysis of 100 vertebrates.For these reasons, this variant has been classified as Uncertain Significance.

Natera, Inc.
Classification: Uncertain significance for Autosomal recessive epidermolysis bullosa dystrophica inversa. Last evaluated: 2020-11-12. Review status: no assertion criteria provided. Collection method: clinical testing. Allele origin: germline. Not counted in ClinVar's aggregate classification.